The following is an entry in ClinVar:

ClinVar aggregate classification (germline): Likely pathogenic. Review status: criteria provided, single submitter (1 of 4 stars). 3 submissions from 3 submitters: Likely pathogenic (1). 2 of the submissions do not count toward it. Last evaluated 2017-11-03.

Conditions:
Mulibrey nanism syndrome. Also called: MUSCLE-LIVER-BRAIN-EYE NANISM; PERHEENTUPA SYNDROME; PERICARDIAL CONSTRICTION AND GROWTH FAILURE. Identifiers: Orphanet 2576, MedGen C0524582, MONDO:0009664, OMIM 253250.

Allele frequency attached by ClinVar (database versions not stated): gnomAD exomes 0.00001; ExAC 0.00002.

Submissions (3):

Eurofins Ntd Llc (ga)
Classification: Likely pathogenic. Last evaluated: 2017-11-03. Review status: criteria provided, single submitter. Criteria: EGL Classification Definitions 2015. Collection method: clinical testing. Allele origin: germline. Observed: 2 variant alleles, 2 heterozygotes.

OMIM
Classification: Pathogenic for MULIBREY NANISM. Last evaluated: 2006-12-01. Review status: no assertion criteria provided. Collection method: literature only. Allele origin: germline. Not counted in ClinVar's aggregate classification.

Juha Muilu Group; Institute for Molecular Medicine Finland (FIMM)
Classification: Likely pathogenic for Mulibrey nanism syndrome. Review status: no assertion criteria provided. Collection method: not provided. Allele origin: unknown. Not counted in ClinVar's aggregate classification.
Comment: FinDis database variant: This variant was not found or characterized by our laboratory, data were collected from public sources: see reference
ClinVar note: Converted during submission from probable-pathogenic to Likely pathogenic.

Literature cited by the submitters: PubMed 17100991 (cited by OMIM).

NM_015294.6(TRIM37):c.860G>A (p.Ser287Asn)

Gene: TRIM37 (tripartite motif containing 37; minus strand). Cytogenetic location: 17q22.
Variant type: single nucleotide variant.
Coding change: c.860G>A on transcript NM_015294.6 (MANE Select); coding-DNA position 860, G replaced by A.
Protein change: p.Ser287Asn; replaces serine 287 with asparagine.
Molecular consequence: missense variant. On other transcripts: non-coding transcript variant (2), intron variant (1).
Genome position (GRCh38, 1-based): chr17:59,064,355, C>T on the plus strand (G>A on the coding strand, the complement: TRIM37 is on the minus strand). VCF-style: chr17-59064355-C-T. GRCh37 (hg19) VCF-style: chr17-57141716-C-T.
Other names: c.860G>A, p.Ser287Asn (NM_001005207.5, NM_001320988.3, NM_001320989.3 and 1 more transcripts); c.758G>A, p.Ser253Asn (NM_001320987.3, NM_001353082.2); c.494G>A, p.Ser165Asn (NM_001320990.3); c.125G>A, p.Ser42Asn (NM_001353083.2); c.398G>A, p.Ser133Asn (NM_001353085.2); c.810-1707G>A (NM_001353086.2); short protein forms S287N, S133N, S42N, S253N, S165N.
Identifiers: ClinVar variation 5246 (VCV000005246.7), dbSNP rs386834008, ClinGen allele CA117351.
Genomic context (GRCh38, chr17:59,064,355, plus strand): 5'-CCTTTCTGGCTCTTCCTTATATACACATACAAAAAAACCAGAATTGTCAAAAACTCTTAC[C>T]TGAAATTCTCTAAAACAAAAGTAGCTGAATCGTAAGATGGCACTAATTCACTAAAAAAAA-3'
Protein context (NP_056109.1, residues 277-297): DSATFVLENF[Ser287Asn]TLRQRADPVY